The following continues an entry in ClinVar:

NM_152443.3(RDH12):c.146C>T (p.Thr49Met)

ClinVar aggregate classification (germline): Pathogenic. Pathogenic (13).

Submissions 11 to 17 of 17:

Broad Center for Mendelian Genomics, Broad Institute of MIT and Harvard
Classification: Pathogenic for Leber congenital amaurosis 13. Last evaluated: 2020-05-29. Review status: criteria provided, single submitter. Criteria: ACMG Guidelines, 2015. Collection method: research. Allele origin: germline. Inheritance: Autosomal recessive inheritance.
Comment: Please note that this variant has been identified by a collaborative research study and was also be submitted by Massachusetts Eye and Ear. The variant in RDH12 has been reported in at least 9 individuals with Leber congenital amaurosis, including the one from our study, individuals, and segregated with disease in 6 affected relatives from 1 family (PMID: 32014858, 24474277). This variant has been identified in 0.010% (2/19948) of East Asian chromosomes by the Genome Aggregation Database (gnomAD; dbSNP: rs28940314). Although this variant has been seen in the general population, its frequency is low enough to be consistent with a recessive carrier frequency. This variant has also been reported in ClinVar as pathogenic by Invitae, OMIM, Ocular Genomics Institute Massachusetts Eye and Ear, Sharon lab, Hadassah-Hebrew University Medical Center (Variation ID: 2049). The presence of this variant in at least 2 affected homozygotes, and in at least 2 individuals with Leber congenital amaurosis increases the likelihood that the p.Thr49Met variant is pathogenic (PMID: 24474277). In vitro functional studies provide some evidence that the p.Thr49Met variant may impact protein function (PMID: 20006610, 16269441). However, these types of assays may not accurately represent biological function. Computational prediction tools and conservation analyses suggest that this variant may impact the protein. In summary, this variant meets criteria to be classified as pathogenic for Leber congenital amaurosis in an autosomal recessive manner based on the established functional studies performed, segregation with disease in multiple affected individuals, and the occurrence of multiple affected homozygotes. ACMG/AMP Criteria applied: PP1_strong, PM3, PM2, PS3_moderate, PP3 (Richards 2015)

CeGaT Center for Human Genetics Tuebingen
Classification: Pathogenic. Last evaluated: 2019-01-01. Review status: criteria provided, single submitter. Criteria: CeGaT Center For Human Genetics Tuebingen Variant Classification Criteria Version 2. Collection method: clinical testing. Allele origin: germline. Affected: yes. Observed: 1 variant allele.

Neuberg Centre For Genomic Medicine, NCGM
Classification: Pathogenic for Leber congenital amaurosis 13. Review status: criteria provided, single submitter. Criteria: ACMG Guidelines, 2015. Collection method: clinical testing. Allele origin: germline. Inheritance: Autosomal recessive inheritance. Affected: yes.
Comment: The missense variant c.146C>T (p.Thr49Met) in the RDH12 gene has been reported previously in heterozygous and homozygous state in individuals affected with RDH12-associated retinal disease. Experimental studies have shown that this missense change affects RDH12 function (Scott et al., 2020; Lee et al., 2010). This variant is reported with the allele frequency (0.001%) in the gnomAD. It is submitted to ClinVar with varying interpretation as Pathogenic/ Likely Pathogenic. The amino acid Threonine at position 49 is changed to a Methionine changing protein sequence and it might alter its composition and physico-chemical properties. The variant is predicted as damaging by SIFT. The amino acid change p.Thr49Met in RDH12 is predicted as conserved by GERP++ and PhyloP across 100 vertebrates. For these reasons, this variant has been classified as Pathogenic.

Ocular Genomics Institute, Massachusetts Eye and Ear
Classification: Pathogenic for Leber congenital amaurosis 13. Last evaluated: 2019-08-01. Review status: no assertion criteria provided. Collection method: clinical testing. Allele origin: germline. Affected: yes. Observed: 2 variant alleles. Not counted in ClinVar's aggregate classification.

Sharon lab, Hadassah-Hebrew University Medical Center
Classification: Likely pathogenic for Cone-rod degeneration. Last evaluated: 2019-06-23. Review status: no assertion criteria provided. Collection method: research. Allele origin: inherited. Affected: yes. Not counted in ClinVar's aggregate classification.

OMIM
Classification: Pathogenic for LEBER CONGENITAL AMAUROSIS 13. Last evaluated: 2005-12-15. Review status: no assertion criteria provided. Collection method: literature only. Allele origin: germline. Not counted in ClinVar's aggregate classification.

Laboratory of Genetics in Ophthalmology, Institut Imagine
Classification: Pathogenic for Leber congenital amaurosis 13. Review status: no assertion criteria provided. Collection method: research. Allele origin: inherited. Affected: yes. Observed: 4 variant alleles. Not counted in ClinVar's aggregate classification.

Literature cited by the submitters: PubMed 15258582 (cited by 4 submitters); PubMed 24474277 (cited by 5 submitters); PubMed 20006610 (cited by 3 submitters); PubMed 23847139 (cited by 3 submitters); PubMed 19011012 (cited by Dasa); PubMed 21151602 (cited by Dasa); PubMed 32790509 (cited by Dasa); PubMed 32014858 (cited by Dasa and Broad Center for Mendelian Genomics, Broad Institute of MIT and Harvard); PubMed 16269441 (cited by 3 submitters); PubMed 22065924 (cited by Institute of Human Genetics, Univ. Regensburg, Univ. Regensburg); PubMed 29068479 (cited by Institute of Human Genetics, Univ. Regensburg, Univ. Regensburg); PubMed 30029497 (cited by Institute of Human Genetics, Univ. Regensburg, Univ. Regensburg); PubMed 31054281 (cited by Institute of Human Genetics, Univ. Regensburg, Univ. Regensburg); PubMed 31964843 (cited by Institute of Human Genetics, Univ. Regensburg, Univ. Regensburg); PubMed 33090715 (cited by Institute of Human Genetics, Univ. Regensburg, Univ. Regensburg); PubMed 32865313 (cited by Institute of Human Genetics, Univ. Regensburg, Univ. Regensburg); PubMed 31456290 (cited by Institute of Human Genetics, Univ. Regensburg, Univ. Regensburg); PubMed 32531858 (cited by Institute of Human Genetics, Univ. Regensburg, Univ. Regensburg); PubMed 33970760 (cited by Institute of Human Genetics, Univ. Regensburg, Univ. Regensburg); PubMed 35775617 (cited by Institute of Human Genetics, Univ. Regensburg, Univ. Regensburg); PubMed 36460718 (cited by Institute of Human Genetics, Univ. Regensburg, Univ. Regensburg); PubMed 36819107 (cited by Institute of Human Genetics, Univ. Regensburg, Univ. Regensburg).